The following is an entry in ClinVar:

ClinVar aggregate classification (germline): Uncertain significance (1 of 4 stars; one submission).

Submission:

Ambry Genetics
Classification: Uncertain significance. Last evaluated: 2023-12-23. Review status: criteria provided, single submitter. Criteria: Ambry Variant Classification Scheme 2023. Collection method: clinical testing. Allele origin: germline.
Comment: The p.D1174Y variant (also known as c.3520G>T), located in coding exon 17 of the NPAT gene, results from a G to T substitution at nucleotide position 3520. The aspartic acid at codon 1174 is replaced by tyrosine, an amino acid with highly dissimilar properties. This amino acid position is conserved. In addition, this alteration is predicted to be tolerated by in silico analysis. Since supporting evidence is limited at this time, the clinical significance of this alteration remains unclear.

NM_002519.3(NPAT):c.3520G>T (p.Asp1174Tyr)

Gene: NPAT (nuclear protein, coactivator of histone transcription; minus strand). Cytogenetic location: 11q22.3.
Variant type: single nucleotide variant.
Coding change: c.3520G>T on transcript NM_002519.3 (MANE Select); coding-DNA position 3520, G replaced by T.
Protein change: p.Asp1174Tyr; replaces aspartic acid 1174 with tyrosine.
Molecular consequence: missense variant.
Genome position (GRCh38, 1-based): chr11:108,161,566, C>A on the plus strand (G>T on the coding strand, the complement: NPAT is on the minus strand). VCF-style: chr11-108161566-C-A. GRCh37 (hg19) VCF-style: chr11-108032293-C-A.
Other names: c.3541G>T, p.Asp1181Tyr (NM_001321307.1); short protein forms D1174Y, D1181Y.
Identifiers: ClinVar variation 3222596 (VCV003222596.1), dbSNP rs140442354, ClinGen allele CA382510627.